The following is an entry in ClinVar:

ClinVar aggregate classification (germline): Uncertain significance. Review status: criteria provided, multiple submitters, no conflicts (2 of 4 stars). 2 submissions from 2 submitters: Uncertain significance (2). Last evaluated 2024-02-14.

Conditions:
Nephronophthisis 15 (NPHP15). Identifiers: Orphanet 3156, MedGen C3541853, MONDO:0013917, OMIM 614845.

Allele frequency attached by ClinVar (database versions not stated): gnomAD below 0.00001 and 0.00002; TOPMed below 0.00001; gnomAD exomes 0.00002 and 0.00005; ExAC 0.00006.
gnomAD v4.1: 36 of 1,611,716 alleles (0.0022%); highest among the groups gnomAD compares: South Asian, 0.038%; no homozygotes.

Submissions (2):

Fulgent Genetics
Classification: Uncertain significance for Nephronophthisis 15. Last evaluated: 2024-02-14. Review status: criteria provided, single submitter. Criteria: ACMG Guidelines, 2015. Collection method: clinical testing. Allele origin: germline.

Labcorp Genetics (formerly Invitae), Labcorp
Classification: Uncertain significance for Nephronophthisis 15. Last evaluated: 2022-09-01. Review status: criteria provided, single submitter. Criteria: Invitae Variant Classification Sherloc (09022015). Collection method: clinical testing. Allele origin: germline.
Comment: This variant is present in population databases (rs746865666, gnomAD 0.04%). In summary, the available evidence is currently insufficient to determine the role of this variant in disease. Therefore, it has been classified as a Variant of Uncertain Significance. Algorithms developed to predict the effect of missense changes on protein structure and function output the following: SIFT: "Deleterious"; PolyPhen-2: "Benign"; Align-GVGD: "Class C15". The lysine amino acid residue is found in multiple mammalian species, which suggests that this missense change does not adversely affect protein function. ClinVar contains an entry for this variant (Variation ID: 937954). This variant has not been reported in the literature in individuals affected with CEP164-related conditions. This sequence change replaces glutamic acid, which is acidic and polar, with lysine, which is basic and polar, at codon 656 of the CEP164 protein (p.Glu656Lys).

NM_014956.5(CEP164):c.1966G>A (p.Glu656Lys)

Gene: CEP164 (centrosomal protein 164; plus strand). Cytogenetic location: 11q23.3.
Variant type: single nucleotide variant.
Coding change: c.1966G>A on transcript NM_014956.5 (MANE Select); coding-DNA position 1966, G replaced by A.
Protein change: p.Glu656Lys; replaces glutamic acid 656 with lysine.
Molecular consequence: missense variant.
Genome position (GRCh38, 1-based): chr11:117,390,808, G>A. VCF-style: chr11-117390808-G-A. GRCh37 (hg19) VCF-style: chr11-117261524-G-A.
Other names: c.1975G>A, p.Glu659Lys (NM_001271933.2); short protein forms E656K, E659K.
Identifiers: ClinVar variation 937954 (VCV000937954.6), dbSNP rs746865666, ClinGen allele CA6294918.
Genomic context (GRCh38, chr11:117,390,808, plus strand): 5'-GACAACCTAGCCTTTCCTTTCCATCTCAGTTCCTTGAGGGAGCGGCTGCAGAAAGCCATT[G>A]AGGAGGAGGAGGCCCGGATGAGAGAGGAGGAAAGCCAGAGGCTATCCTGGCTCCGAGCTC-3'
Protein context (NP_055771.4, residues 646-666): SLRERLQKAI[Glu656Lys]EEEARMREEE